The following is an entry in ClinVar:

NM_004415.4(DSP):c.5572C>G (p.Gln1858Glu)

Gene: DSP (desmoplakin; plus strand). Cytogenetic location: 6p24.3.
Variant type: single nucleotide variant.
Coding change: c.5572C>G on transcript NM_004415.4 (MANE Select); coding-DNA position 5572, C replaced by G.
Protein change: p.Gln1858Glu; replaces glutamine 1858 with glutamic acid.
Molecular consequence: missense variant.
Genome position (GRCh38, 1-based): chr6:7,582,834, C>G. VCF-style: chr6-7582834-C-G. GRCh37 (hg19) VCF-style: chr6-7583067-C-G.
Other names: c.3775C>G, p.Gln1259Glu (NM_001008844.3); c.4243C>G, p.Gln1415Glu (NM_001319034.2); short protein forms Q1858E, Q1259E, Q1415E.
Identifiers: ClinVar variation 927426 (VCV000927426.6), dbSNP rs1474132784, ClinGen allele CA362688920.
Genomic context (GRCh38, chr6:7,582,834, plus strand): 5'-CGTGCAAAATCAACTCTAGAGGCAGAAACCAGGGTGAAACAGCGCCTGGAGTGTGAGAAA[C>G]AGCAAATTCAGAATGACCTGAATCAGTGGAAGACTCAATATTCCCGCAAGGAGGAGGCTA-3'
Protein context (NP_004406.2, residues 1848-1868): RVKQRLECEK[Gln1858Glu]QIQNDLNQWK

ClinVar aggregate classification (germline): Uncertain significance. Review status: criteria provided, multiple submitters, no conflicts (2 of 4 stars). 2 submissions from 2 submitters: Uncertain significance (2). Last evaluated 2023-12-05.

Conditions:
Cardiovascular phenotype. Identifiers: MedGen CN230736.
Cardiomyopathy (CMYO). Also called: Cardiomyopathies. Identifiers: Orphanet 167848, MedGen C0878544, MONDO:0004994, HP:0001638. Inheritance: Various modes of inheritance.

Allele frequency attached by ClinVar (database versions not stated): TOPMed below 0.00001; gnomAD 0.00001.
gnomAD v4.1: 1 of 1,613,922 alleles (0.000062%); highest among the groups gnomAD compares: East Asian, 0.0022%; no homozygotes.

Submissions (2):

Color Diagnostics, LLC DBA Color Health
Classification: Uncertain significance for Cardiomyopathy. Last evaluated: 2023-12-05. Review status: criteria provided, single submitter. Criteria: ACMG Guidelines, 2015. Collection method: clinical testing. Allele origin: germline.
Comment: This missense variant replaces glutamine with glutamic acid at codon 1858 of the DSP protein. Computational prediction suggests that this variant may not impact protein structure and function (internally defined REVEL score threshold <= 0.5, PMID: 27666373). To our knowledge, functional studies have not been reported for this variant. This variant has not been reported in individuals affected with DSP-related disorders in the literature. This variant has not been identified in the general population by the Genome Aggregation Database (gnomAD). The available evidence is insufficient to determine the role of this variant in disease conclusively. Therefore, this variant is classified as a Variant of Uncertain Significance.

Ambry Genetics
Classification: Uncertain significance for Cardiovascular phenotype. Last evaluated: 2021-12-16. Review status: criteria provided, single submitter. Criteria: Ambry Variant Classification Scheme 2023. Collection method: clinical testing. Allele origin: germline.
Comment: The p.Q1858E variant (also known as c.5572C>G), located in coding exon 24 of the DSP gene, results from a C to G substitution at nucleotide position 5572. The glutamine at codon 1858 is replaced by glutamic acid, an amino acid with highly similar properties. This amino acid position is conserved. In addition, this alteration is predicted to be tolerated by in silico analysis. Since supporting evidence is limited at this time, the clinical significance of this alteration remains unclear.